The following is an entry in ClinVar:

ClinVar aggregate classification (germline): Uncertain significance. Review status: criteria provided, multiple submitters, no conflicts (2 of 4 stars). 2 submissions from 2 submitters: Uncertain significance (2). Last evaluated 2025-08-01.

Conditions:
Inborn genetic diseases. Identifiers: MedGen C0950123, MeSH D030342.

Allele frequency attached by ClinVar (database versions not stated): gnomAD exomes below 0.00001; TOPMed below 0.00001; gnomAD 0.00001.
gnomAD v4.1: 3 of 1,613,904 alleles (0.00019%); highest among the groups gnomAD compares: Non-Finnish European, 0.00025%; no homozygotes.

Submissions (2):

Ambry Genetics
Classification: Uncertain significance for Inborn genetic diseases. Last evaluated: 2025-08-01. Review status: criteria provided, single submitter. Criteria: Ambry Variant Classification Scheme 2023. Collection method: clinical testing. Allele origin: germline.

Labcorp Genetics (formerly Invitae), Labcorp
Classification: Uncertain significance. Last evaluated: 2020-07-08. Review status: criteria provided, single submitter. Criteria: Invitae Variant Classification Sherloc (09022015). Collection method: clinical testing. Allele origin: germline.
Comment: In summary, the available evidence is currently insufficient to determine the role of this variant in disease. Therefore, it has been classified as a Variant of Uncertain Significance. Algorithms developed to predict the effect of missense changes on protein structure and function (SIFT, PolyPhen-2, Align-GVGD) all suggest that this variant is likely to be disruptive, but these predictions have not been confirmed by published functional studies and their clinical significance is uncertain. This variant has not been reported in the literature in individuals with MYO1E-related conditions. This variant is not present in population databases (ExAC no frequency). This sequence change replaces glutamic acid with glycine at codon 608 of the MYO1E protein (p.Glu608Gly). The glutamic acid residue is highly conserved and there is a moderate physicochemical difference between glutamic acid and glycine.

NM_004998.4(MYO1E):c.1823A>G (p.Glu608Gly)

Gene: MYO1E (myosin IE; minus strand). Cytogenetic location: 15q22.2.
Variant type: single nucleotide variant.
Coding change: c.1823A>G on transcript NM_004998.4 (MANE Select); coding-DNA position 1823, A replaced by G.
Protein change: p.Glu608Gly; replaces glutamic acid 608 with glycine.
Molecular consequence: missense variant.
Genome position (GRCh38, 1-based): chr15:59,188,199, T>C on the plus strand (A>G on the coding strand, the complement: MYO1E is on the minus strand). VCF-style: chr15-59188199-T-C. GRCh37 (hg19) VCF-style: chr15-59480398-T-C.
Other names: c.1823A>G (NM_004998.2); short protein forms E608G.
Identifiers: ClinVar variation 1024037 (VCV001024037.9), dbSNP rs1253141013, ClinGen allele CA392641354.
Genomic context (GRCh38, chr15:59,188,199, plus strand): 5'-ATGCGCCGATAGGCATAGCCAGCTCTTCTCACTCGAATGTTCTCTTTCAGACCCAAATAT[T>C]CGACTTGATGCTTTACCCTGTGCAAAGGAGAAAATGGGGCCTGGACATTACTGGATAATC-3'
Protein context (NP_004989.2, residues 598-618): WEESRVKHQV[Glu608Gly]YLGLKENIRV